The following is an entry in ClinVar:

NM_000051.4(ATM):c.8589_8600del (p.Tyr2864_Gly2867del)

Genes: ATM (ATM serine/threonine kinase; plus strand), C11orf65 (chromosome 11 open reading frame 65; minus strand). Cytogenetic location: 11q22.3.
Variant type: Deletion.
Coding change: c.8589_8600del on transcript NM_000051.4 (MANE Select); coding-DNA positions 8589 to 8600, 12 bases deleted (TTACATACTTGG).
Protein change: p.Tyr2864_Gly2867del.
Molecular consequence: inframe deletion. On other transcripts: intron variant (2), inframe indel (1).
Genome position (GRCh38, 1-based): chr11:108,347,283-108,347,294, TTACATACTTGG deleted; deleting any 12 consecutive bases within chr11:108,347,279-108,347,294 gives the same sequence; the c. name uses the placement nearest the transcript's 3' end. VCF-style (leftmost placement, unchanged base first): chr11-108347278-GTTGGTTACATAC-G. GRCh37 (hg19) VCF-style: chr11-108218005-GTTGGTTACATAC-G.
Other names: c.8589_8600del, p.Tyr2864_Gly2867del (NM_001351834.2); c.641-38219_641-38208del (NM_001330368.2); c.695-11998_695-11987del (NM_001351110.2); c.8589_8600del12 (NM_000051.3).
Identifiers: ClinVar variation 1763930 (VCV001763930.2), dbSNP rs2547460335, ClinGen allele CA2580083457.

ClinVar aggregate classification (germline): Uncertain significance (1 of 4 stars; one submission).

Conditions:
Hereditary cancer-predisposing syndrome. Also called: Hereditary neoplastic syndrome; Neoplastic Syndromes, Hereditary; Tumor predisposition; Hereditary Cancer Syndrome. Identifiers: Orphanet 140162, MedGen C0027672, MeSH D009386, MONDO:0015356.

Submission:

Ambry Genetics
Classification: Uncertain significance for Hereditary cancer-predisposing syndrome. Last evaluated: 2021-10-12. Review status: criteria provided, single submitter. Criteria: Ambry Variant Classification Scheme 2023. Collection method: clinical testing. Allele origin: germline.
Comment: The c.8589_8600del12 variant (also known as p.Y2864_G2867del) is located in coding exon 58 of the ATM gene. This variant results from an in-frame TTACATACTTGG deletion at nucleotide positions 8589 to 8600. This results in the in-frame deletion of four amino acids at codons 2864 to 2867. Based on data from gnomAD, the Y2864_G2867del allele has an overall frequency of 0% (0/250010) total alleles studied. This amino acid region is highly conserved through mammals but not in all available vertebrate species. Based on internal structural analysis, Y2864_G2867del decreases the structure stability (Bareti D et al. Sci Adv, 2017 May;3:e1700933). In addition, this alteration is predicted to be deleterious by in silico analysis (Choi Y et al. PLoS ONE. 2012; 7(10):e46688). Since supporting evidence is limited at this time, the clinical significance of this alteration remains unclear.

Literature cited by the submitters: PubMed 28508083.